The following is an entry in ClinVar:

ClinVar aggregate classification (germline): Pathogenic/Likely pathogenic. Review status: criteria provided, multiple submitters, no conflicts (2 of 4 stars). 3 submissions from 3 submitters: Pathogenic (2); Likely pathogenic (1). Last evaluated 2025-09-12.

Conditions:
Telangiectasia, hereditary hemorrhagic, type 1 (HHT1). Also called: Osler Weber Rendu syndrome type 1; ENG-Related Hereditary Hemorrhagic Telangiectasia. Identifiers: Orphanet 774, MedGen C4551861, MONDO:0008535, OMIM 187300. Disease mechanism: loss of function.
Hereditary hemorrhagic telangiectasia (HHT). Also called: Osler hemorrhagic telangiectasia syndrome; ORW DISEASE; Osler Weber Rendu syndrome; OSLER-RENDU-WEBER DISEASE. Identifiers: Orphanet 774, MedGen C0039445, MONDO:0019180. Disease mechanism: loss of function.

Submissions (4):

Variantyx, Inc.
Classification: Likely pathogenic for Telangiectasia, hereditary hemorrhagic, type 1. Last evaluated: 2025-09-12. Review status: criteria provided, single submitter. Criteria: Variantyx Assertion Criteria 2022. Collection method: clinical testing. Allele origin: germline. Inheritance: Autosomal recessive inheritance. Affected: yes.
Comment: This is a nonsense variant in the ENG gene (OMIM: 131195). Pathogenic variants in this gene have been associated with autosomal dominant hereditary hemorrhagic telangiectasia type 1. This variant introduces a premature termination codon in exon 12 out of 15 and is expected to result in loss of function, which is a known disease mechanism for ENG in this disorder (PMID: 20301525) (PVS1). This variant is absent from control populations (PM2). Based on the current evidence, this variant is classified as likely pathogenic for autosomal dominant hereditary hemorrhagic telangiectasia type 1.

Labcorp Genetics (formerly Invitae), Labcorp
Classification: Pathogenic for Hereditary hemorrhagic telangiectasia. Last evaluated: 2018-11-10. Review status: criteria provided, single submitter. Criteria: Invitae Variant Classification Sherloc (09022015). Collection method: clinical testing. Allele origin: germline.
Comment: This variant has not been reported in the literature in individuals with ENG-related disease. For these reasons, this variant has been classified as Pathogenic. Loss-of-function variants in ENG are known to be pathogenic (PMID: 15879500, 20656886, 22385575). This variant is not present in population databases (ExAC no frequency). This sequence change creates a premature translational stop signal (p.Glu485*) in the ENG gene. It is expected to result in an absent or disrupted protein product.

Clinical Genetics Service, Universitary Hospital 12 de Octubre
Classification: Pathogenic for Telangiectasia, hereditary hemorrhagic, type 1. Review status: criteria provided, single submitter. Criteria: ACMG Guidelines, 2015. Collection method: clinical testing. Allele origin: germline. Affected: yes.

Dr. Peter K. Rogan Lab, Western University
No classification provided (evidence only). Condition: Thyroid cancer, nonmedullary, 1. Review status: no classification provided. Collection method: in vitro. Allele origin: not applicable. Functional consequence: retained intron. Not counted in ClinVar's aggregate classification.

Literature cited by the submitters: PubMed 20301525 (cited by Variantyx, Inc.); PubMed 15879500 (cited by Labcorp Genetics (formerly Invitae), Labcorp); PubMed 20656886 (cited by Labcorp Genetics (formerly Invitae), Labcorp); PubMed 22385575 (cited by Labcorp Genetics (formerly Invitae), Labcorp).

NM_001114753.3(ENG):c.1453G>T (p.Glu485Ter)

Genes: ENG (endoglin; minus strand), LOC102723566 (uncharacterized LOC102723566; plus strand). Cytogenetic location: 9q34.11.
Variant type: single nucleotide variant.
Coding change: c.1453G>T on transcript NM_001114753.3 (MANE Select); coding-DNA position 1453, G replaced by T.
Protein change: p.Glu485Ter; replaces glutamic acid 485 with a stop codon.
Molecular consequence: nonsense. On other transcripts: non-coding transcript variant (1).
Genome position (GRCh38, 1-based): chr9:127,818,353, C>A on the plus strand (G>T on the coding strand, the complement: ENG is on the minus strand). VCF-style: chr9-127818353-C-A. GRCh37 (hg19) VCF-style: chr9-130580632-C-A.
Other names: c.1453G>T, p.Glu485Ter (NM_000118.4); c.907G>T, p.Glu303Ter (NM_001278138.2); short protein forms E485*, E303*.
Identifiers: ClinVar variation 661985 (VCV000661985.10), dbSNP rs997074986, ClinGen allele CA374976037.